The following is an entry in ClinVar:

ClinVar aggregate classification (germline): Uncertain significance (0 of 4 stars; one submission).

Conditions:
TMPO-related disorder. Also called: TMPO-related condition.

gnomAD v4.1: 13 of 1,614,116 alleles (0.00081%); highest among the groups gnomAD compares: Admixed American, 0.0017%; no homozygotes.

Submission:

PreventionGenetics, part of Exact Sciences
Classification: Uncertain significance for TMPO-related condition. Last evaluated: 2024-07-13. Review status: no assertion criteria provided. Collection method: clinical testing. Allele origin: germline.
Comment: The TMPO c.1196A>G variant is predicted to result in the amino acid substitution p.Asp399Gly. To our knowledge, this variant has not been reported in the literature. This variant is reported in 0.0015% of alleles in individuals of European (Non-Finnish) descent in gnomAD. At this time, the clinical significance of this variant is uncertain due to the absence of conclusive functional and genetic evidence.

NM_001032283.3(TMPO):c.1196A>G (p.Asp399Gly)

Gene: TMPO (thymopoietin; plus strand). Cytogenetic location: 12q23.1.
Variant type: single nucleotide variant.
Coding change: c.1196A>G on transcript NM_001032283.3 (MANE Select); coding-DNA position 1196, A replaced by G.
Protein change: p.Asp399Gly; replaces aspartic acid 399 with glycine.
Molecular consequence: missense variant.
Genome position (GRCh38, 1-based): chr12:98,547,689, A>G. VCF-style: chr12-98547689-A-G. GRCh37 (hg19) VCF-style: chr12-98941467-A-G.
Other names: c.869A>G, p.Asp290Gly (NM_001032284.3); c.1076A>G, p.Asp359Gly (NM_001307975.2); short protein forms D290G, D359G, D399G.
Identifiers: ClinVar variation 3351430 (VCV003351430.1).
Genomic context (GRCh38, chr12:98,547,689, plus strand): 5'-ATTTCAGGATGGAGGAGTCTTTTTCATCTAAATATGTTCCTAAGTATGTTCCCTTGGCAG[A>G]TGTCAAGTCAGAAAAGACAAAAAAGGGACGCTCCATTCCCGTATGGATAAAAATTTTGCT-3'
Protein context (NP_001027454.1, residues 389-409): KYVPKYVPLA[Asp399Gly]VKSEKTKKGR